The following is an entry in ClinVar:

ClinVar aggregate classification (germline): Uncertain significance (1 of 4 stars; one submission).

Submission:

GeneDx
Classification: Uncertain significance. Last evaluated: 2023-03-31. Review status: criteria provided, single submitter. Criteria: GeneDx Variant Classification Process June 2021. Collection method: clinical testing. Allele origin: germline. Affected: yes.
Comment: Frameshift variant predicted to result in protein truncation or nonsense mediated decay in a gene for which loss-of-function is not a known mechanism of disease; Not observed at significant frequency in large population cohorts (gnomAD); Has not been previously published as pathogenic or benign to our knowledge

NM_004408.4(DNM1):c.679dup (p.Leu227fs)

Gene: DNM1 (dynamin 1; plus strand). Cytogenetic location: 9q34.11.
Variant type: Duplication.
Coding change: c.679dup on transcript NM_004408.4 (MANE Select); coding-DNA position 679, one base duplicated (C; older notation c.679dupC).
Protein change: p.Leu227fs; shifts the reading frame from leucine 227.
Molecular consequence: frameshift variant.
Genome position (GRCh38, 1-based): chr9:128,220,077, C duplicated; the last of 5 consecutive C bases (chr9:128,220,073-128,220,077); duplicating any one gives the same sequence. VCF-style (leftmost placement, unchanged base first): chr9-128220072-T-TC. GRCh37 (hg19) VCF-style: chr9-130982351-T-TC.
Other names: c.679dup, p.Leu227fs (NM_001005336.3, NM_001288737.2, NM_001288738.2 and 2 more transcripts); short protein forms L227fs.
Identifiers: ClinVar variation 2581857 (VCV002581857.1), dbSNP rs2538984208, ClinGen allele CA2582342015.
Genomic context (GRCh38, chr9:128,220,072, plus strand): 5'-CCAAGCTGGACCTGATGGACGAGGGCACAGATGCCCGTGATGTGCTGGAGAACAAGCTGC[T>TC]CCCCCTGCGCAGAGGTAAGCAGGCCATGCCCCTCAACCACTCCCCAGCCCTTCCCCACCC-3'